The following is an entry in ClinVar:

NM_001080466.2(BTBD17):c.1410C>T (p.Tyr470=)

Gene: BTBD17 (BTB domain containing 17; minus strand). Cytogenetic location: 17q25.1.
Variant type: single nucleotide variant.
Coding change: c.1410C>T on transcript NM_001080466.2 (MANE Select); coding-DNA position 1410, C replaced by T.
Protein change: p.Tyr470=; no amino-acid change (tyrosine 470 retained).
Molecular consequence: synonymous variant.
Genome position (GRCh38, 1-based): chr17:74,356,684, G>A on the plus strand (C>T on the coding strand, the complement: BTBD17 is on the minus strand). VCF-style: chr17-74356684-G-A. GRCh37 (hg19) VCF-style: chr17-72352823-G-A.
Identifiers: ClinVar variation 3250679 (VCV003250679.18), dbSNP rs2509857295.

ClinVar aggregate classification (germline): Likely benign (1 of 4 stars; one submission).

Allele frequency attached by ClinVar (database versions not stated): gnomAD exomes below 0.00001.
gnomAD v4.1: 1 of 1,572,122 alleles (0.000064%); highest among the groups gnomAD compares: Non-Finnish European, 0.000086%; no homozygotes.

Submission:

CeGaT Center for Human Genetics Tuebingen
Classification: Likely benign. Last evaluated: 2026-05-01. Review status: criteria provided, single submitter. Criteria: CeGaT Center For Human Genetics Tuebingen Variant Classification Criteria Version 2. Collection method: clinical testing. Allele origin: germline. Affected: yes. Observed: 3 variant alleles.
Comment: BTBD17: BP4, BP7